The following is an entry in ClinVar:

ClinVar aggregate classification (germline): Conflicting classifications of pathogenicity. Review status: criteria provided, conflicting classifications (1 of 4 stars). 6 submissions from 2 submitters: Uncertain significance (3); Likely benign (3). Last evaluated 2025-12-23.

Conditions:
Autosomal recessive limb-girdle muscular dystrophy type 2J (LGMDR10). Also called: Limb-girdle muscular dystrophy, type 2J; MUSCULAR DYSTROPHY, LIMB-GIRDLE, AUTOSOMAL RECESSIVE 10. Identifiers: Orphanet 140922, MedGen C1837342, MONDO:0012127, OMIM 608807.
Dilated cardiomyopathy 1G (CMD1G). Identifiers: Orphanet 154, MedGen C1858763, MONDO:0011400, OMIM 604145.
Early-onset myopathy with fatal cardiomyopathy (CMYO5). Also called: CONGENITAL MYOPATHY 5 WITH CARDIOMYOPATHY; Salih Myopathy. Identifiers: Orphanet 289377, MedGen C2673677, MONDO:0012714, OMIM 611705. Disease mechanism: loss of function.
Myopathy, myofibrillar, 9, with early respiratory failure (MFM9). Also called: EDSTROM MYOPATHY; MYOPATHY, PROXIMAL, WITH EARLY RESPIRATORY MUSCLE INVOLVEMENT; Myopathy, distal, with early respiratory failure, autosomal dominant; Hereditary myopathy with early respiratory failure. Identifiers: Orphanet 178464, Orphanet 34521, MedGen C1863599, MONDO:0011362, OMIM 603689.
Tibial muscular dystrophy (TMD). Also called: Tibial muscular dystrophy, tardive; UDD MYOPATHY; Udd Distal Myopathy – Tibial Muscular Dystrophy. Identifiers: Orphanet 609, MedGen C1838244, MONDO:0010870, OMIM 600334.

Allele frequency attached by ClinVar (database versions not stated): ExAC 0.00002; gnomAD exomes 0.00003 and 0.00005; ESP Exome Variant Server 0.00008; TOPMed 0.00018; gnomAD 0.00022 and 0.00024.
gnomAD v4.1: 70 of 1,610,096 alleles (0.0043%); highest among the groups gnomAD compares: Admixed American, 0.062%; no homozygotes.

Submissions (6):

Labcorp Genetics (formerly Invitae), Labcorp
Classification: Likely benign for Dilated cardiomyopathy 1G; Autosomal recessive limb-girdle muscular dystrophy type 2J. Last evaluated: 2025-12-23. Review status: criteria provided, single submitter. Criteria: Invitae Variant Classification Sherloc (09022015). Collection method: clinical testing. Allele origin: germline.

Illumina Laboratory Services, Illumina
Classification: Uncertain significance for Early-onset myopathy with fatal cardiomyopathy. Last evaluated: 2018-01-12. Review status: criteria provided, single submitter. Criteria: ICSL Variant Classification Criteria 13 December 2019. Collection method: clinical testing. Allele origin: germline.

Illumina Laboratory Services, Illumina
Classification: Uncertain significance for Autosomal recessive limb-girdle muscular dystrophy type 2J. Last evaluated: 2018-01-12. Review status: criteria provided, single submitter. Criteria: ICSL Variant Classification Criteria 13 December 2019. Collection method: clinical testing. Allele origin: germline.

Illumina Laboratory Services, Illumina
Classification: Uncertain significance for Dilated cardiomyopathy 1G. Last evaluated: 2018-01-12. Review status: criteria provided, single submitter. Criteria: ICSL Variant Classification Criteria 13 December 2019. Collection method: clinical testing. Allele origin: germline.

Illumina Laboratory Services, Illumina
Classification: Likely benign for Myopathy, myofibrillar, 9, with early respiratory failure. Last evaluated: 2018-01-12. Review status: criteria provided, single submitter. Criteria: ICSL Variant Classification Criteria 13 December 2019. Collection method: clinical testing. Allele origin: germline.
Comment: This variant was observed in the ICSL laboratory as part of a predisposition screen in an ostensibly healthy population. It had not been previously curated by ICSL or reported in the Human Gene Mutation Database (HGMD: prior to June 1st, 2018), and was therefore a candidate for classification through an automated scoring system. Utilizing variant allele frequency, disease prevalence and penetrance estimates, and inheritance mode, an automated score was calculated to assess if this variant is too frequent to cause the disease. Based on the score and internal cut-off values, a variant classified as likely benign is not then subjected to further curation. The score for this variant resulted in a classification of likely benign for this disease.

Illumina Laboratory Services, Illumina
Classification: Likely benign for Tibial muscular dystrophy. Last evaluated: 2018-01-12. Review status: criteria provided, single submitter. Criteria: ICSL Variant Classification Criteria 13 December 2019. Collection method: clinical testing. Allele origin: germline.
Comment: the same text as in the submission from Illumina Laboratory Services, Illumina above.

NM_001267550.2(TTN):c.48461-11A>G

Genes: TTN-AS1 (TTN antisense RNA 1; plus strand), TTN (titin; minus strand). Cytogenetic location: 2q31.2.
Variant type: single nucleotide variant.
Coding change: c.48461-11A>G on transcript NM_001267550.2 (MANE Select); 11 bases into the intron before coding-DNA position 48461, A replaced by G.
Molecular consequence: intron variant.
Genome position (GRCh38, 1-based): chr2:178,615,495, T>C on the plus strand (A>G on the coding strand, the complement: TTN is on the minus strand). VCF-style: chr2-178615495-T-C. GRCh37 (hg19) VCF-style: chr2-179480222-T-C.
Other names: c.21266-11A>G (NM_003319.4); c.21842-11A>G (NM_133437.4); c.21641-11A>G (NM_133432.3); c.40757-11A>G (NM_133378.4); c.43538-11A>G (NM_001256850.1).
Identifiers: ClinVar variation 893397 (VCV000893397.11), dbSNP rs371040291, ClinGen allele CA1994809.